The following is an entry in ClinVar:

NM_002025.4(AFF2):c.2780G>A (p.Arg927His)

Gene: AFF2 (ALF transcription elongation factor 2; plus strand). Cytogenetic location: Xq28.
Variant type: single nucleotide variant.
Coding change: c.2780G>A on transcript NM_002025.4 (MANE Select); coding-DNA position 2780, G replaced by A.
Protein change: p.Arg927His; replaces arginine 927 with histidine.
Molecular consequence: missense variant.
Genome position (GRCh38, 1-based): chrX:148,962,804, G>A. VCF-style: chrX-148962804-G-A. GRCh37 (hg19) VCF-style: chrX-148044334-G-A.
Other names: c.2681G>A, p.Arg894His (NM_001169122.2); c.2750G>A, p.Arg917His (NM_001169123.2); c.2675G>A, p.Arg892His (NM_001169124.2); c.2663G>A, p.Arg888His (NM_001169125.2); c.1703G>A, p.Arg568His (NM_001170628.1); short protein forms R927H, R892H, R894H, R917H, R568H, R888H.
Identifiers: ClinVar variation 194202 (VCV000194202.43), dbSNP rs140927355, ClinGen allele CA240067.

ClinVar aggregate classification (germline): Benign/Likely benign. Review status: criteria provided, multiple submitters, no conflicts (2 of 4 stars). 9 submissions from 9 submitters: Benign (1); Likely benign (7). 1 of the submissions does not count toward it. Last evaluated 2026-09-01.

Conditions:
AFF2-related disorder. Also called: AFF2-related condition.
FRAXE. Also called: FRAXE intellectual disability; Intellectual developmental disorder, X-linked 109; Intellectual disability, X-linked, FRAXE type; FRAXE Syndrome; Fragile XE syndrome. Identifiers: Orphanet 100973, MedGen C0751157, MONDO:0010659, OMIM 309548. Disease mechanism: loss of function.

Allele frequency attached by ClinVar (database versions not stated): gnomAD 0.00036; ESP Exome Variant Server 0.00057; 1000 Genomes Project 30x 0.00062; TOPMed 0.00072; 1000 Genomes Project 0.00079; gnomAD exomes 0.00099 and 0.00170; ExAC 0.00153.
gnomAD v4.1: 1,216 of 1,208,209 alleles (0.1%); highest among the groups gnomAD compares: South Asian, 0.53%; 2 homozygotes.

Submissions (9):

CeGaT Center for Human Genetics Tuebingen
Classification: Benign. Last evaluated: 2026-09-01. Review status: criteria provided, single submitter. Criteria: CeGaT Center For Human Genetics Tuebingen Variant Classification Criteria Version 2. Collection method: clinical testing. Allele origin: germline. Affected: yes. Observed: 11 variant alleles.
Comment: AFF2: BP4, BS1, BS2

Blueprint Genetics
Classification: Likely benign. Last evaluated: 2024-11-25. Review status: criteria provided, single submitter. Criteria: ACMG Guidelines, 2015. Collection method: clinical testing. Allele origin: germline.

Fulgent Genetics
Classification: Likely benign for FRAXE. Last evaluated: 2022-01-14. Review status: criteria provided, single submitter. Criteria: ACMG Guidelines, 2015. Collection method: clinical testing. Allele origin: unknown.

Labcorp Genetics (formerly Invitae), Labcorp
Classification: Likely benign. Last evaluated: 2019-12-31. Review status: criteria provided, single submitter. Criteria: Invitae Variant Classification Sherloc (09022015). Collection method: clinical testing. Allele origin: germline.

Mendelics
Classification: Likely benign for FRAXE. Last evaluated: 2019-05-28. Review status: criteria provided, single submitter. Criteria: Mendelics Assertion Criteria 2017. Collection method: clinical testing. Allele origin: unknown.

Genetic Services Laboratory, University of Chicago
Classification: Likely benign. Last evaluated: 2016-01-21. Review status: criteria provided, single submitter. Criteria: ACMG Guidelines, 2015. Collection method: clinical testing. Allele origin: germline. Affected: no.

Eurofins Ntd Llc (ga)
Classification: Likely benign. Last evaluated: 2015-07-20. Review status: criteria provided, single submitter. Criteria: EGL Classification Definitions 2015. Collection method: clinical testing. Allele origin: germline. Observed: 2 variant alleles, 1 heterozygote, 1 hemizygote.

Breakthrough Genomics
Classification: Likely benign. Review status: criteria provided, single submitter. Criteria: ACMG Guidelines, 2015. Collection method: not provided. Allele origin: germline. Inheritance: X-linked inheritance. Affected: yes.

PreventionGenetics, part of Exact Sciences
Classification: Likely benign for AFF2-related condition. Last evaluated: 2021-05-20. Review status: no assertion criteria provided. Collection method: clinical testing. Allele origin: germline. Not counted in ClinVar's aggregate classification.
Comment: This variant is classified as likely benign based on ACMG/AMP sequence variant interpretation guidelines (Richards et al. 2015 PMID: 25741868, with internal and published modifications).

Literature cited by the submitters: PubMed 22773736 (cited by Eurofins Ntd Llc (ga)).